The following is an entry in ClinVar:

NM_031935.3(HMCN1):c.9160+5G>A

Gene: HMCN1 (hemicentin 1; plus strand). Cytogenetic location: 1q31.1.
Variant type: single nucleotide variant.
Coding change: c.9160+5G>A on transcript NM_031935.3 (MANE Select); 5 bases into the intron after coding-DNA position 9160, G replaced by A.
Molecular consequence: intron variant.
Genome position (GRCh38, 1-based): chr1:186,087,335, G>A. VCF-style: chr1-186087335-G-A. GRCh37 (hg19) VCF-style: chr1-186056467-G-A.
Identifiers: ClinVar variation 3613372 (VCV003613372.2).

ClinVar aggregate classification (germline): Uncertain significance (1 of 4 stars; one submission).

gnomAD v4.1: 22 of 1,607,654 alleles (0.0014%); highest among the groups gnomAD compares: Admixed American, 0.0017%; no homozygotes.

Submission:

Labcorp Genetics (formerly Invitae), Labcorp
Classification: Uncertain significance. Last evaluated: 2024-04-25. Review status: criteria provided, single submitter. Criteria: Invitae Variant Classification Sherloc (09022015). Collection method: clinical testing. Allele origin: germline.
Comment: This sequence change falls in intron 59 of the HMCN1 gene. It does not directly change the encoded amino acid sequence of the HMCN1 protein. It affects a nucleotide within the consensus splice site. This variant is present in population databases (rs771512727, gnomAD 0.003%). This variant has not been reported in the literature in individuals affected with HMCN1-related conditions. Variants that disrupt the consensus splice site are a relatively common cause of aberrant splicing (PMID: 17576681, 9536098). Algorithms developed to predict the effect of sequence changes on RNA splicing suggest that this variant may disrupt the consensus splice site. In summary, the available evidence is currently insufficient to determine the role of this variant in disease. Therefore, it has been classified as a Variant of Uncertain Significance.

Literature cited by the submitters: PubMed 17576681; PubMed 9536098.